The following is an entry in ClinVar:

ClinVar aggregate classification (germline): Uncertain significance (1 of 4 stars; one submission).

Conditions:
Pallister-Hall syndrome (PHS). Also called: HYPOTHALAMIC HAMARTOBLASTOMA, HYPOPITUITARISM, IMPERFORATE ANUS, AND POSTAXIAL POLYDACTYLY; GLI3-Related Pallister-Hall Syndrome. Identifiers: Orphanet 672, MedGen C0265220, MONDO:0007804, OMIM 146510.
Greig cephalopolysyndactyly syndrome (GCPS). Also called: Greig syndrome; GLI3-Related Greig Cephalopolysyndactyly Syndrome; POLYSYNDACTYLY WITH PECULIAR SKULL SHAPE. Identifiers: Orphanet 380, MedGen C0265306, MONDO:0008287, OMIM 175700.

Allele frequency attached by ClinVar (database versions not stated): gnomAD 0.00001; TOPMed 0.00001.
gnomAD v4.1: 3 of 1,613,856 alleles (0.00019%); highest among the groups gnomAD compares: African/African-American, 0.004%; no homozygotes.

Submission:

Labcorp Genetics (formerly Invitae), Labcorp
Classification: Uncertain significance for Pallister-Hall syndrome; Greig cephalopolysyndactyly syndrome. Last evaluated: 2022-08-17. Review status: criteria provided, single submitter. Criteria: Invitae Variant Classification Sherloc (09022015). Collection method: clinical testing. Allele origin: germline.
Comment: In summary, the available evidence is currently insufficient to determine the role of this variant in disease. Therefore, it has been classified as a Variant of Uncertain Significance. Algorithms developed to predict the effect of missense changes on protein structure and function output the following: SIFT: "Tolerated"; PolyPhen-2: "Benign"; Align-GVGD: "Class C0". The serine amino acid residue is found in multiple mammalian species, which suggests that this missense change does not adversely affect protein function. This variant has not been reported in the literature in individuals affected with GLI3-related conditions. This variant is not present in population databases (gnomAD no frequency). This sequence change replaces threonine, which is neutral and polar, with serine, which is neutral and polar, at codon 1412 of the GLI3 protein (p.Thr1412Ser).

NM_000168.6(GLI3):c.4234A>T (p.Thr1412Ser)

Gene: GLI3 (GLI family zinc finger 3; minus strand). Cytogenetic location: 7p14.1.
Variant type: single nucleotide variant.
Coding change: c.4234A>T on transcript NM_000168.6 (MANE Select); coding-DNA position 4234, A replaced by T.
Protein change: p.Thr1412Ser; replaces threonine 1412 with serine.
Molecular consequence: missense variant.
Genome position (GRCh38, 1-based): chr7:41,964,839, T>A on the plus strand (A>T on the coding strand, the complement: GLI3 is on the minus strand). VCF-style: chr7-41964839-T-A. GRCh37 (hg19) VCF-style: chr7-42004437-T-A.
Other names: short protein forms T1412S.
Identifiers: ClinVar variation 2166234 (VCV002166234.4), dbSNP rs752320089, ClinGen allele CA367315477.